The following is an entry in ClinVar:

ClinVar aggregate classification (germline): Uncertain significance (1 of 4 stars; one submission).

Allele frequency attached by ClinVar (database versions not stated): gnomAD exomes 0.00001.

Submission:

GeneDx
Classification: Uncertain significance. Last evaluated: 2016-11-08. Review status: criteria provided, single submitter. Criteria: GeneDx Variant Classification (06012015). Collection method: clinical testing. Allele origin: germline. Affected: yes.
Comment: The c.2695delA variant in the SCN11A gene has not been reported previously as a pathogenic variant nor as a benign variant, to our knowledge. The c.2695delA variant causes a frameshift starting with codon Isoleucine 899, changes this amino acid to a Tyrosine residue, and creates a premature Stop codon at position 2 of the new reading frame, denoted p.Ile899TyrfsX2. This variant is predicted to cause loss of normal protein function either through protein truncation or nonsense-mediated mRNA decay. The c.2695delA variant was not observed in approximately 6500 individuals of European and African American ancestry in the NHLBI Exome Sequencing Project, indicating it is not a common benign variant in these populations. Based on review of the data in the context of the 2015 ACMG standards and guidelines for the interpretation of sequence variants (Richards et al., 2015), we now interpret c.2695delA as a variant of uncertain significance.

NM_001349253.2(SCN11A):c.2695del (p.Ile899fs)

Gene: SCN11A (sodium voltage-gated channel alpha subunit 11; minus strand). Cytogenetic location: 3p22.2.
Variant type: Deletion.
Coding change: c.2695del on transcript NM_001349253.2 (MANE Select); coding-DNA position 2695, one base deleted (A; older notation c.2695delA).
Protein change: p.Ile899fs; shifts the reading frame from isoleucine 899.
Molecular consequence: frameshift variant.
Genome position (GRCh38, 1-based): chr3:38,894,673, T deleted on the plus strand (A on the coding strand, the reverse complement: SCN11A is on the minus strand). VCF-style (leftmost placement, unchanged base first): chr3-38894672-AT-A. GRCh37 (hg19) VCF-style: chr3-38936163-AT-A.
Other names: c.2695del, p.Ile899fs (NM_014139.3); c.2695delA (NM_014139.2); short protein forms I899fs.
Identifiers: ClinVar variation 418473 (VCV000418473.2), dbSNP rs1064793260, ClinGen allele CA16617959.